The following is an entry in ClinVar:

ClinVar aggregate classification (germline): Likely pathogenic (1 of 4 stars; one submission).

Conditions:
Wiskott-Aldrich syndrome (WAS). Also called: ALDRICH SYNDROME; IMMUNODEFICIENCY 2; WISKOTT-ALDRICH SYNDROME 1; Wiskott-aldrich syndrome, somatic. Identifiers: Orphanet 906, MedGen C0043194, MONDO:0010518, OMIM 301000.

Submission:

MGZ Medical Genetics Center
Classification: Likely pathogenic for Wiskott-Aldrich syndrome. Last evaluated: 2022-08-25. Review status: criteria provided, single submitter. Criteria: ACMG Guidelines, 2015. Collection method: clinical testing. Allele origin: germline. Affected: yes. Observed: 1 variant allele.
Comment: ACMG criteria applied: PVS1, PM2_SUP

NM_000377.3(WAS):c.1119dup (p.Ala374fs)

Gene: WAS (WASP actin nucleation promoting factor; plus strand). Cytogenetic location: Xp11.23.
Variant type: Duplication.
Coding change: c.1119dup on transcript NM_000377.3 (MANE Select); coding-DNA position 1119, one base duplicated (A; older notation c.1119dupA).
Protein change: p.Ala374fs; shifts the reading frame from alanine 374.
Molecular consequence: frameshift variant.
Genome position (GRCh38, 1-based): chrX:48,688,847, A duplicated. VCF-style (leftmost placement, unchanged base first): chrX-48688846-C-CA. GRCh37 (hg19) VCF-style: chrX-48547235-C-CA.
Other names: short protein forms A374fs.
Identifiers: ClinVar variation 1709779 (VCV001709779.2), dbSNP rs2519287245, ClinGen allele CA2580101062.
Genomic context (GRCh38, chrX:48,688,846, plus strand): 5'-CACCAACACCCCGGGGACCCCCACCCCCAGGCCGAGGGGGCCCTCCACCACCACCCCCTC[C>CA]AGCTACTGGACGTTCTGGACCACTGCCCCCTCCACCCCCTGGAGCTGGTGGGCCACCCAT-3'